The following is an entry in ClinVar:

NM_001110556.2(FLNA):c.5366G>A (p.Arg1789Lys)

Gene: FLNA (filamin A; minus strand). Cytogenetic location: Xq28.
Variant type: single nucleotide variant.
Coding change: c.5366G>A on transcript NM_001110556.2 (MANE Select); coding-DNA position 5366, G replaced by A.
Protein change: p.Arg1789Lys; replaces arginine 1789 with lysine.
Molecular consequence: missense variant.
Genome position (GRCh38, 1-based): chrX:154,354,431, C>T on the plus strand (G>A on the coding strand, the complement: FLNA is on the minus strand). VCF-style: chrX-154354431-C-T. GRCh37 (hg19) VCF-style: chrX-153582799-C-T.
Other names: c.5342G>A, p.Arg1781Lys (NM_001456.4); short protein forms R1781K, R1789K.
Identifiers: ClinVar variation 1722992 (VCV001722992.6), dbSNP rs2522726943, ClinGen allele CA415205519.

ClinVar aggregate classification (germline): Uncertain significance. Review status: criteria provided, multiple submitters, no conflicts (2 of 4 stars). 2 submissions from 2 submitters: Uncertain significance (2). Last evaluated 2024-08-13.

Conditions:
Melnick-Needles syndrome (MNS). Also called: MELNICK-NEEDLES OSTEODYSPLASTY; OSTEODYSPLASTY OF MELNICK AND NEEDLES; Melnick-Needles Syndrome (FLNA-MNS). Identifiers: Orphanet 2484, MedGen C0025237, MONDO:0010650, OMIM 309350.
Heterotopia, periventricular, X-linked dominant (PVNH1). Also called: PERIVENTRICULAR NODULAR HETEROTOPIA 1; X-linked periventricular heterotopia; HETEROTOPIA, PERIVENTRICULAR, 1; PERIVENTRICULAR NODULAR HETEROTOPIA 4. Identifiers: Orphanet 2149, Orphanet 82004, MedGen C1848213, MONDO:0010233, OMIM 300049.
Oto-palato-digital syndrome, type II (OPD2). Also called: OPD II SYNDROME; Otopalatodigital Syndrome, Type II; FACIOPALATOOSSEOUS SYNDROME; Otopalatodigital Syndrome Type 2 (FLNA-OPD2). Identifiers: Orphanet 669, Orphanet 90652, MedGen C1844696, MONDO:0010571, OMIM 304120.
Frontometaphyseal dysplasia (FMD1). Identifiers: Orphanet 1826, MedGen C0265293, MONDO:0015942.

Submissions (2):

Labcorp Genetics (formerly Invitae), Labcorp
Classification: Uncertain significance for Oto-palato-digital syndrome, type II; Heterotopia, periventricular, X-linked dominant; Frontometaphyseal dysplasia; Melnick-Needles syndrome. Last evaluated: 2024-08-13. Review status: criteria provided, single submitter. Criteria: Invitae Variant Classification Sherloc (09022015). Collection method: clinical testing. Allele origin: germline.
Comment: This sequence change replaces arginine, which is basic and polar, with lysine, which is basic and polar, at codon 1781 of the FLNA protein (p.Arg1781Lys). This variant is not present in population databases (gnomAD no frequency). This variant has not been reported in the literature in individuals affected with FLNA-related conditions. ClinVar contains an entry for this variant (Variation ID: 1722992). Invitae Evidence Modeling of protein sequence and biophysical properties (such as structural, functional, and spatial information, amino acid conservation, physicochemical variation, residue mobility, and thermodynamic stability) indicates that this missense variant is not expected to disrupt FLNA protein function with a negative predictive value of 95%. In summary, the available evidence is currently insufficient to determine the role of this variant in disease. Therefore, it has been classified as a Variant of Uncertain Significance.

GeneDx
Classification: Uncertain significance. Last evaluated: 2023-07-15. Review status: criteria provided, single submitter. Criteria: GeneDx Variant Classification Process June 2021. Collection method: clinical testing. Allele origin: germline. Affected: yes.
Comment: Not observed at significant frequency in large population cohorts (gnomAD); In silico analysis supports that this missense variant does not alter protein structure/function; Has not been previously published as pathogenic or benign to our knowledge